The following is an entry in ClinVar:

NM_014669.5(NUP93):c.1609C>T (p.Arg537Trp)

Gene: NUP93 (nucleoporin 93; plus strand). Cytogenetic location: 16q13.
Variant type: single nucleotide variant.
Coding change: c.1609C>T on transcript NM_014669.5 (MANE Select); coding-DNA position 1609, C replaced by T.
Protein change: p.Arg537Trp; replaces arginine 537 with tryptophan.
Molecular consequence: missense variant.
Genome position (GRCh38, 1-based): chr16:56,834,199, C>T. VCF-style: chr16-56834199-C-T. GRCh37 (hg19) VCF-style: chr16-56868111-C-T.
Other names: c.1240C>T, p.Arg414Trp (NM_001242795.2, NM_001242796.2); short protein forms R414W, R537W.
Identifiers: ClinVar variation 2085292 (VCV002085292.4), dbSNP rs371707121, ClinGen allele CA8068484.

ClinVar aggregate classification (germline): Uncertain significance (1 of 4 stars; one submission).

Allele frequency attached by ClinVar (database versions not stated): ExAC 0.00002; gnomAD 0.00005; ESP Exome Variant Server 0.00008; TOPMed 0.00013.
gnomAD v4.1: 44 of 1,614,058 alleles (0.0027%); highest among the groups gnomAD compares: Non-Finnish European, 0.0024%; no homozygotes.

Submission:

Labcorp Genetics (formerly Invitae), Labcorp
Classification: Uncertain significance. Last evaluated: 2022-05-08. Review status: criteria provided, single submitter. Criteria: Invitae Variant Classification Sherloc (09022015). Collection method: clinical testing. Allele origin: germline.
Comment: In summary, the available evidence is currently insufficient to determine the role of this variant in disease. Therefore, it has been classified as a Variant of Uncertain Significance. Experimental studies have shown that this missense change affects NUP93 function (PMID: 30741391). Algorithms developed to predict the effect of missense changes on protein structure and function (SIFT, PolyPhen-2, Align-GVGD) all suggest that this variant is likely to be disruptive. This variant has not been reported in the literature in individuals affected with NUP93-related conditions. This variant is present in population databases (rs371707121, gnomAD 0.003%). This sequence change replaces arginine, which is basic and polar, with tryptophan, which is neutral and slightly polar, at codon 537 of the NUP93 protein (p.Arg537Trp).

Literature cited by the submitters: PubMed 30741391.